The following is an entry in ClinVar:

ClinVar aggregate classification (germline): Uncertain significance. Review status: criteria provided, multiple submitters, no conflicts (2 of 4 stars). 2 submissions from 2 submitters: Uncertain significance (2). Last evaluated 2024-02-01.

Conditions:
Gastrointestinal stromal tumor. Also called: Gastrointestinal stroma tumor; Gastrointestinal stromal tumor, somatic. Identifiers: Orphanet 44890, MedGen C0238198, MeSH D046152, MONDO:0011719, OMIM 606764, HP:0100723.
Polyps, multiple and recurrent inflammatory fibroid, gastrointestinal. Identifiers: MedGen C5193005, MONDO:0008285, OMIM 175510.

Submissions (2):

Baylor Genetics
Classification: Uncertain significance for Polyps, multiple and recurrent inflammatory fibroid, gastrointestinal. Last evaluated: 2024-02-01. Review status: criteria provided, single submitter. Criteria: ACMG Guidelines, 2015. Collection method: clinical testing. Allele origin: unknown.

Labcorp Genetics (formerly Invitae), Labcorp
Classification: Uncertain significance for Gastrointestinal stromal tumor. Last evaluated: 2023-09-28. Review status: criteria provided, single submitter. Criteria: Invitae Variant Classification Sherloc (09022015). Collection method: clinical testing. Allele origin: germline.
Comment: In summary, the available evidence is currently insufficient to determine the role of this variant in disease. Therefore, it has been classified as a Variant of Uncertain Significance. Advanced modeling of protein sequence and biophysical properties (such as structural, functional, and spatial information, amino acid conservation, physicochemical variation, residue mobility, and thermodynamic stability) performed at Invitae indicates that this missense variant is not expected to disrupt PDGFRA protein function. ClinVar contains an entry for this variant (Variation ID: 1388316). This variant has not been reported in the literature in individuals affected with PDGFRA-related conditions. This variant is not present in population databases (gnomAD no frequency). This sequence change replaces methionine, which is neutral and non-polar, with valine, which is neutral and non-polar, at codon 899 of the PDGFRA protein (p.Met899Val).

NM_006206.6(PDGFRA):c.2695A>G (p.Met899Val)

Gene: PDGFRA (platelet derived growth factor receptor alpha; plus strand). Cytogenetic location: 4q12.
Variant type: single nucleotide variant.
Coding change: c.2695A>G on transcript NM_006206.6 (MANE Select); coding-DNA position 2695, A replaced by G.
Protein change: p.Met899Val; replaces methionine 899 with valine.
Molecular consequence: missense variant.
Genome position (GRCh38, 1-based): chr4:54,288,819, A>G. VCF-style: chr4-54288819-A-G. GRCh37 (hg19) VCF-style: chr4-55154986-A-G.
Other names: c.2770A>G, p.Met924Val (NM_001347828.2); c.2695A>G, p.Met899Val (NM_001347829.2); c.2734A>G, p.Met912Val (NM_001347830.2); short protein forms M899V, M912V, M924V.
Identifiers: ClinVar variation 1388316 (VCV001388316.7), dbSNP rs2110344471, ClinGen allele CA356895439.